The following is an entry in ClinVar:

GRCh38/hg38 2q13(chr2:109740565-110612448)x1

Genes: LIMS3 (LIM zinc finger domain containing 3; plus strand), LIMS3-LOC440895 (LIMS3-LOC440895 readthrough; plus strand), LIMS4 (LIM zinc finger domain containing 4; minus strand), LINC01106 (long intergenic non-protein coding RNA 1106; minus strand), LINC01123 (long intergenic non-protein coding RNA 1123; plus strand) and 16 more. Cytogenetic location: 2q13.
Variant type: copy number loss.
Change: copy number 1 (one copy instead of two) of chr2:109,740,565-110,612,448 (871.9 kb, GRCh38 coordinates, 1-based), cytogenetic band 2q13.
Identifiers: ClinVar variation 4796224 (VCV004796224.1).

ClinVar aggregate classification (germline): Uncertain significance (1 of 4 stars; one submission).

Submission:

Medical Genetic Center, Changzhi Maternal and Child Health Care Hospital
Classification: Uncertain significance. Last evaluated: 2025-12-10. Review status: criteria provided, single submitter. Criteria: ACMG/ClinGen CNV Guidelines, 2019. Collection method: clinical testing. Allele origin: unknown.